The following is an entry in ClinVar:

ClinVar aggregate classification (germline): Uncertain significance (1 of 4 stars; one submission).

Conditions:
Hereditary spastic paraplegia 74. Also called: Spastic paraplegia 74, autosomal recessive. Identifiers: Orphanet 468661, MedGen C5568837, MONDO:0014644, OMIM 616451.
Multiple mitochondrial dysfunctions syndrome 3 (MMDS3). Identifiers: Orphanet 363424, MedGen C3809165, MONDO:0014132, OMIM 615330.

Submission:

Labcorp Genetics (formerly Invitae), Labcorp
Classification: Uncertain significance for Multiple mitochondrial dysfunctions syndrome 3; Hereditary spastic paraplegia 74. Last evaluated: 2024-10-10. Review status: criteria provided, single submitter. Criteria: Invitae Variant Classification Sherloc (09022015). Collection method: clinical testing. Allele origin: germline.
Comment: This sequence change falls in intron 1 of the IBA57 gene. It does not directly change the encoded amino acid sequence of the IBA57 protein. It affects a nucleotide within the consensus splice site. Information on the frequency of this variant in the gnomAD database is not available, as this variant may be reported differently in the database. This variant has not been reported in the literature in individuals affected with IBA57-related conditions. Variants that disrupt the consensus splice site are a relatively common cause of aberrant splicing (PMID: 17576681, 9536098). Experimental studies and prediction algorithms are not available or were not evaluated, and the effect of this variant on mRNA splicing is currently unknown. In summary, the available evidence is currently insufficient to determine the role of this variant in disease. Therefore, it has been classified as a Variant of Uncertain Significance.

Literature cited by the submitters: PubMed 17576681; PubMed 9536098.

NM_001010867.4(IBA57):c.342-4_342-3delinsAA

Gene: IBA57 (iron-sulfur cluster assembly factor IBA57; plus strand). Cytogenetic location: 1q42.13.
Variant type: Indel.
Coding change: c.342-4_342-3delinsAA on transcript NM_001010867.4 (MANE Select); 4 bases into the intron before coding-DNA position 342 through 3 bases into the intron before coding-DNA position 342, GC replaced by AA.
Molecular consequence: intron variant.
Genome position (GRCh38, 1-based): chr1:228,174,688-228,174,689, GC replaced by AA. VCF-style: chr1-228174688-GC-AA. GRCh37 (hg19) VCF-style: chr1-228362389-GC-AA.
Other names: c.-238-4_-238-3delinsAA (NM_001310327.2).
Identifiers: ClinVar variation 3753512 (VCV003753512.2).